The following is an entry in ClinVar:

ClinVar aggregate classification (germline): Uncertain significance (1 of 4 stars; one submission).

Conditions:
Primary ciliary dyskinesia. Also called: Ciliary dyskinesia. Identifiers: Orphanet 244, MedGen C0008780, MONDO:0016575, HP:0012265.

Submission:

Ambry Genetics
Classification: Uncertain significance for Primary ciliary dyskinesia. Last evaluated: 2019-09-11. Review status: criteria provided, single submitter. Criteria: Ambry Variant Classification Scheme 2023. Collection method: clinical testing. Allele origin: germline.
Comment: The p.F160S variant (also known as c.479T>C), located in coding exon 1 of the DNAAF2 gene, results from a T to C substitution at nucleotide position 479. The phenylalanine at codon 160 is replaced by serine, an amino acid with highly dissimilar properties. This amino acid position is highly conserved in available vertebrate species. In addition, this alteration is predicted to be deleterious by in silico analysis. Since supporting evidence is limited at this time, the clinical significance of this alteration remains unclear.

NM_018139.3(DNAAF2):c.479T>C (p.Phe160Ser)

Gene: DNAAF2 (dynein axonemal assembly factor 2; minus strand). Cytogenetic location: 14q21.3.
Variant type: single nucleotide variant.
Coding change: c.479T>C on transcript NM_018139.3 (MANE Select); coding-DNA position 479, T replaced by C.
Protein change: p.Phe160Ser; replaces phenylalanine 160 with serine.
Molecular consequence: missense variant.
Genome position (GRCh38, 1-based): chr14:49,634,671, A>G on the plus strand (T>C on the coding strand, the complement: DNAAF2 is on the minus strand). VCF-style: chr14-49634671-A-G. GRCh37 (hg19) VCF-style: chr14-50101389-A-G.
Other names: c.479T>C, p.Phe160Ser (NM_001083908.2); short protein forms F160S.
Identifiers: ClinVar variation 1743166 (VCV001743166.2), dbSNP rs2502771249, ClinGen allele CA389631767.